The following is an entry in ClinVar:

NM_002830.4(PTPN4):c.745C>T (p.Arg249Ter)

Gene: PTPN4 (protein tyrosine phosphatase non-receptor type 4; plus strand). Cytogenetic location: 2q14.2.
Variant type: single nucleotide variant.
Coding change: c.745C>T on transcript NM_002830.4 (MANE Select); coding-DNA position 745, C replaced by T.
Protein change: p.Arg249Ter; replaces arginine 249 with a stop codon.
Molecular consequence: nonsense.
Genome position (GRCh38, 1-based): chr2:119,900,787, C>T. VCF-style: chr2-119900787-C-T. GRCh37 (hg19) VCF-style: chr2-120658363-C-T.
Other names: short protein forms R249*.
Identifiers: ClinVar variation 2210441 (VCV002210441.4), dbSNP rs1451229797, ClinGen allele CA348191791.
Genomic context (GRCh38, chr2:119,900,787, plus strand): 5'-AACAATGAAATTATGATTGGAGTGATGTCAGGAGGAATTCTGATTTATAAGAACAGGGTA[C>T]GAATGAATACCTTTCCATGGTAAGAACATCTATTGATACTTTTATGTTTACCACTGTATT-3'

ClinVar aggregate classification (germline): Pathogenic. Review status: criteria provided, multiple submitters, no conflicts (2 of 4 stars). 2 submissions from 2 submitters: Pathogenic (2). Last evaluated 2024-02-28.

Conditions:
Inborn genetic diseases. Identifiers: MedGen C0950123, MeSH D030342.
PTPN4-related disorder. Also called: PTPN4-Related Disorders; PTPN4-related condition.

Allele frequency attached by ClinVar (database versions not stated): gnomAD exomes 0.00001.
gnomAD v4.1: 7 of 1,564,910 alleles (0.00045%); highest among the groups gnomAD compares: Non-Finnish European, 0.00061%; no homozygotes.

Submissions (2):

Women's Health and Genetics/Laboratory Corporation of America, LabCorp
Classification: Pathogenic for PTPN4-Related Disorders. Last evaluated: 2024-02-28. Review status: criteria provided, single submitter. Criteria: LabCorp Variant Classification Summary - May 2015. Collection method: clinical testing. Allele origin: germline.
Comment: Variant summary: PTPN4 c.745C>T (p.Arg249X) results in a premature termination codon, predicted to cause a truncation of the encoded protein or absence of the protein due to nonsense mediated decay, which are commonly known mechanisms for disease. The variant was absent in 236696 control chromosomes (gnomAD). To our knowledge, no occurrence of c.745C>T in individuals affected with PTPN4-Related Disorders and no experimental evidence demonstrating its impact on protein function have been reported. ClinVar contains an entry for this variant (Variation ID: 2210441). Based on the evidence outlined above, the variant was classified as pathogenic.

Ambry Genetics
Classification: Pathogenic for Inborn genetic diseases. Last evaluated: 2022-10-07. Review status: criteria provided, single submitter. Criteria: Ambry Variant Classification Scheme 2023. Collection method: clinical testing. Allele origin: germline.
Comment: The c.745C>T (p.R249*) alteration, located in exon 10 (coding exon 9) of the PTPN4 gene, consists of a C to T substitution at nucleotide position 745. This changes the amino acid from a arginine (R) to a stop codon at amino acid position 249. This alteration is expected to result in loss of function by premature protein truncation or nonsense-mediated mRNA decay. This variant was not reported in population-based cohorts in the Genome Aggregation Database (gnomAD). Based on the available evidence, this alteration is classified as pathogenic.